The following is an entry in ClinVar:

ClinVar aggregate classification (germline): Conflicting classifications of pathogenicity. Review status: criteria provided, conflicting classifications (1 of 4 stars). 8 submissions from 8 submitters: Uncertain significance (7); Likely benign (1). Last evaluated 2025-05-10.

Conditions:
MUTYH-related disorder. Also called: MUTYH-related condition; MUTYH-related disorders.
Hereditary cancer-predisposing syndrome. Also called: Tumor predisposition; Neoplastic Syndromes, Hereditary; Hereditary neoplastic syndrome; Hereditary Cancer Syndrome. Identifiers: Orphanet 140162, MedGen C0027672, MeSH D009386, MONDO:0015356.
Familial adenomatous polyposis 2. Also called: MYH-associated polyposis; COLORECTAL ADENOMATOUS POLYPOSIS, AUTOSOMAL RECESSIVE; ADENOMAS, MULTIPLE COLORECTAL, AUTOSOMAL RECESSIVE; FAP type 2; MUTYH-related attenuated familial adenomatous polyposis; MUTYH-associated polyposis. Identifiers: Orphanet 220460, Orphanet 247798, MedGen C3272841, MONDO:0012041, OMIM 608456.

Allele frequency attached by ClinVar (database versions not stated): gnomAD exomes below 0.00001; TOPMed below 0.00001; ExAC 0.00001.
gnomAD v4.1: 1 of 1,614,258 alleles (0.000062%); highest among the groups gnomAD compares: Non-Finnish European, 0.000085%; no homozygotes.

Submissions (8):

Women's Health and Genetics/Laboratory Corporation of America, LabCorp
Classification: Uncertain significance. Last evaluated: 2025-05-10. Review status: criteria provided, single submitter. Criteria: LabCorp Variant Classification Summary - May 2015. Collection method: clinical testing. Allele origin: germline.

Labcorp Genetics (formerly Invitae), Labcorp
Classification: Uncertain significance for Familial adenomatous polyposis 2. Last evaluated: 2025-04-22. Review status: criteria provided, single submitter. Criteria: Invitae Variant Classification Sherloc (09022015). Collection method: clinical testing. Allele origin: germline.
Comment: This sequence change affects codon 441 of the MUTYH mRNA. It is a 'silent' change, meaning that it does not change the encoded amino acid sequence of the MUTYH protein. This variant also falls at the last nucleotide of exon 13, which is part of the consensus splice site for this exon. This variant is present in population databases (rs587782564, gnomAD 0.007%). This variant has not been reported in the literature in individuals affected with MUTYH-related conditions. ClinVar contains an entry for this variant (Variation ID: 142583). Variants that disrupt the consensus splice site are a relatively common cause of aberrant splicing (PMID: 17576681, 9536098). Algorithms developed to predict the effect of sequence changes on RNA splicing suggest that this variant is not likely to affect RNA splicing. In summary, the available evidence is currently insufficient to determine the role of this variant in disease. Therefore, it has been classified as a Variant of Uncertain Significance.

PreventionGenetics, part of Exact Sciences
Classification: Uncertain significance for MUTYH-related condition. Last evaluated: 2025-02-13. Review status: criteria provided, single submitter. Criteria: ACMG Guidelines, 2015. Collection method: clinical testing. Allele origin: germline.
Comment: The MUTYH c.1323G>A variant is not predicted to result in an amino acid change (p.=). To our knowledge, this variant has not been reported in the literature. This variant is reported in 0.0062% of alleles in individuals of African descent in gnomAD. This variant has conflicting interpretations in ClinVar ranging from uncertain significance to likely benign. At this time, the clinical significance of this variant is uncertain due to the absence of conclusive functional and genetic evidence.

All of Us Research Program, National Institutes of Health
Classification: Uncertain significance for Familial adenomatous polyposis 2. Last evaluated: 2024-07-20. Review status: criteria provided, single submitter. Criteria: ACMG Guidelines, 2015. Collection method: clinical testing. Allele origin: germline. Inheritance: Autosomal recessive inheritance. Observed: 1 variant allele, 1 heterozygote.
Comment: This synonymous variant does not change the amino acid sequence of the MUTYH protein. However, splice prediction tools suggest that this variant may disrupt RNA splicing. To our knowledge, functional studies have not been performed for this variant. This variant has not been reported in individuals affected with hereditary cancer in the literature. This variant has been identified in 1/251414 chromosomes in the general population by the Genome Aggregation Database (gnomAD). The available evidence is insufficient to determine the role of this variant in disease conclusively. Therefore, this variant is classified as a Variant of Uncertain Significance.

This study involves interpretation of variants in research participants for the purpose of population health screening. Participant phenotype was not available at the time of variant classification. Additional details can be found in publication PMID: 35346344, PMCID: PMC8962531

Baylor Genetics
Classification: Uncertain significance for Familial adenomatous polyposis 2. Last evaluated: 2023-10-24. Review status: criteria provided, single submitter. Criteria: ACMG Guidelines, 2015. Collection method: clinical testing. Allele origin: unknown.

Ambry Genetics
Classification: Likely benign for Hereditary cancer-predisposing syndrome. Last evaluated: 2020-06-23. Review status: criteria provided, single submitter. Criteria: Ambry Variant Classification Scheme 2023. Collection method: clinical testing. Allele origin: germline.

Color Diagnostics, LLC DBA Color Health
Classification: Uncertain significance for Hereditary cancer-predisposing syndrome. Last evaluated: 2019-10-28. Review status: criteria provided, single submitter. Criteria: ACMG Guidelines, 2015. Collection method: clinical testing. Allele origin: germline.
Comment: This synonymous variant does not change the amino acid sequence of the MUTYH protein. However, splice prediction tools suggest that this variant may disrupt RNA splicing. To our knowledge, functional studies have not been performed for this variant. This variant has not been reported in individuals affected with hereditary cancer in the literature. This variant has been identified in 1/251414 chromosomes in the general population by the Genome Aggregation Database (gnomAD). The available evidence is insufficient to determine the role of this variant in disease conclusively. Therefore, this variant is classified as a Variant of Uncertain Significance.

GeneDx
Classification: Uncertain significance. Last evaluated: 2017-10-02. Review status: criteria provided, single submitter. Criteria: GeneDx Variant Classification (06012015). Collection method: clinical testing. Allele origin: germline. Affected: yes.
Comment: This variant is denoted MUTYH c.1323G>A at the DNA level. This variant is silent at the coding level, preserving a Glutamic Acid at codon 441. It is not predicted to cause abnormal splicing. This variant has not, to our knowledge, been published in the literature as pathogenic or benign. This variant was not observed at a significant allele frequency in large population cohorts (Lek 2016). The nucleotide which is altered, a guanine (G) at base 1323, is conserved across species. Based on currently available information, it is unclear whether MUTYH c.1323G>A is a pathogenic or benign variant. We consider it to be a variant of uncertain significance. Of note, MUTYH-Associated Polyposis (MAP) is a recessive condition associated with two pathogenic variants on opposite chromosomes in MUTYH.

Literature cited by the submitters: PubMed 17576681 (cited by Labcorp Genetics (formerly Invitae), Labcorp); PubMed 9536098 (cited by Labcorp Genetics (formerly Invitae), Labcorp).

NM_001048174.2(MUTYH):c.1239G>A (p.Glu413=)

Gene: MUTYH (mutY DNA glycosylase; minus strand). Cytogenetic location: 1p34.1.
Variant type: single nucleotide variant.
Coding change: c.1239G>A on transcript NM_001048174.2 (MANE Select); coding-DNA position 1239, G replaced by A.
Protein change: p.Glu413=; no amino-acid change (glutamic acid 413 retained).
Molecular consequence: synonymous variant. On other transcripts: non-coding transcript variant (2).
Genome position (GRCh38, 1-based): chr1:45,331,420, C>T on the plus strand (G>A on the coding strand, the complement: MUTYH is on the minus strand). VCF-style: chr1-45331420-C-T. GRCh37 (hg19) VCF-style: chr1-45797092-C-T.
Other names: c.1239G>A, p.Glu413= (NM_001048171.2, NM_001048173.2, NM_001293195.2); c.1242G>A, p.Glu414= (NM_001048172.2); c.1323G>A, p.Glu441= (NM_001128425.2); c.1284G>A, p.Glu428= (NM_001293190.2); c.1272G>A, p.Glu424= (NM_001293191.2); c.963G>A, p.Glu321= (NM_001293192.2, NM_001293196.2); c.894G>A, p.Glu298= (NM_001350650.2, NM_001350651.2); c.1314G>A, p.Glu438= (NM_012222.3).
Identifiers: ClinVar variation 142583 (VCV000142583.22), dbSNP rs587782564, ClinGen allele CA012624.